The following is an entry in ClinVar:

NM_004628.5(XPC):c.1022C>G (p.Ala341Gly)

Gene: XPC (XPC complex subunit, DNA damage recognition and repair factor; minus strand). Cytogenetic location: 3p25.1.
Variant type: single nucleotide variant.
Coding change: c.1022C>G on transcript NM_004628.5 (MANE Select); coding-DNA position 1022, C replaced by G.
Protein change: p.Ala341Gly; replaces alanine 341 with glycine.
Molecular consequence: missense variant. On other transcripts: non-coding transcript variant (2).
Genome position (GRCh38, 1-based): chr3:14,158,861, G>C on the plus strand (C>G on the coding strand, the complement: XPC is on the minus strand). VCF-style: chr3-14158861-G-C. GRCh37 (hg19) VCF-style: chr3-14200361-G-C.
Other names: c.443C>G, p.Ala148Gly (NM_001354726.2); c.1022C>G, p.Ala341Gly (NM_001354727.2, NM_001354730.2); c.1004C>G, p.Ala335Gly (NM_001354729.2); c.1022C>G (NM_004628.4); short protein forms A341G, A148G, A335G.
Identifiers: ClinVar variation 135488 (VCV000135488.4), dbSNP rs192285219, ClinGen allele CA162924.

ClinVar aggregate classification (germline): Uncertain significance. Review status: criteria provided, multiple submitters, no conflicts (2 of 4 stars). 3 submissions from 3 submitters: Uncertain significance (2). 1 of the submissions does not count toward it. Last evaluated 2024-07-23.

Conditions:
Inborn genetic diseases. Identifiers: MedGen C0950123, MeSH D030342.

Allele frequency attached by ClinVar (database versions not stated): gnomAD 0.00003.
gnomAD v4.1: 3 of 1,613,794 alleles (0.00019%); highest among the groups gnomAD compares: Admixed American, 0.005%; no homozygotes.

Submissions (3):

Ambry Genetics
Classification: Uncertain significance for Inborn genetic diseases. Last evaluated: 2024-07-23. Review status: criteria provided, single submitter. Criteria: Ambry Variant Classification Scheme 2023. Collection method: clinical testing. Allele origin: germline.

Labcorp Genetics (formerly Invitae), Labcorp
Classification: Uncertain significance. Last evaluated: 2022-03-26. Review status: criteria provided, single submitter. Criteria: Invitae Variant Classification Sherloc (09022015). Collection method: clinical testing. Allele origin: germline.
Comment: This sequence change replaces alanine, which is neutral and non-polar, with glycine, which is neutral and non-polar, at codon 341 of the XPC protein (p.Ala341Gly). This variant is present in population databases (rs192285219, gnomAD 0.1%). This variant has not been reported in the literature in individuals affected with XPC-related conditions. ClinVar contains an entry for this variant (Variation ID: 135488). Algorithms developed to predict the effect of missense changes on protein structure and function are either unavailable or do not agree on the potential impact of this missense change (SIFT: "Not Available"; PolyPhen-2: "Benign"; Align-GVGD: "Not Available"). In summary, the available evidence is currently insufficient to determine the role of this variant in disease. Therefore, it has been classified as a Variant of Uncertain Significance.

ITMI
No classification provided. Condition: AllHighlyPenetrant. Last evaluated: 2013-09-19. Review status: no classification provided. Collection method: reference population. Allele origin: germline. Not counted in ClinVar's aggregate classification.
Comment: Please see associated publication for description of ethnicities

Literature cited by the submitters: PubMed 24728327 (cited by ITMI).